The following is an entry in ClinVar:

NM_004370.6(COL12A1):c.2007G>A (p.Ala669=)

Gene: COL12A1 (collagen type XII alpha 1 chain; minus strand). Cytogenetic location: 6q13.
Variant type: single nucleotide variant.
Coding change: c.2007G>A on transcript NM_004370.6 (MANE Select); coding-DNA position 2007, G replaced by A.
Protein change: p.Ala669=; no amino-acid change (alanine 669 retained).
Molecular consequence: synonymous variant. On other transcripts: intron variant (1).
Genome position (GRCh38, 1-based): chr6:75,181,096, C>T on the plus strand (G>A on the coding strand, the complement: COL12A1 is on the minus strand). VCF-style: chr6-75181096-C-T. GRCh37 (hg19) VCF-style: chr6-75890812-C-T.
Other names: p.Ala669=; c.73+21624G>A (NM_080645.3).
Identifiers: ClinVar variation 259323 (VCV000259323.19), dbSNP rs77790445, ClinGen allele CA3894082.

ClinVar aggregate classification (germline): Benign/Likely benign. Review status: criteria provided, multiple submitters, no conflicts (2 of 4 stars). 5 submissions from 5 submitters: Benign (4); Likely benign (1). Last evaluated 2026-02-02.

Conditions:
Ullrich congenital muscular dystrophy 2 (UCMD2). Identifiers: Orphanet 75840, MedGen C4225314, MONDO:0014654, OMIM 616470.
Bethlem myopathy 2 (BTHLM2). Identifiers: Orphanet 536516, Orphanet 610, MedGen C4225313, MONDO:0034022, OMIM 616471.

Allele frequency attached by ClinVar (database versions not stated): 1000 Genomes Project 0.01158; 1000 Genomes Project 30x 0.01202; gnomAD exomes 0.00350 and 0.00130; ExAC 0.00424; gnomAD 0.01322 and 0.01425; TOPMed 0.01518; ESP Exome Variant Server 0.01531.
gnomAD v4.1: 4,008 of 1,613,852 alleles (0.25%); highest among the groups gnomAD compares: African/African-American, 4.6%; 88 homozygotes.

Submissions (5):

Labcorp Genetics (formerly Invitae), Labcorp
Classification: Benign for Bethlem myopathy 2; Ullrich congenital muscular dystrophy 2. Last evaluated: 2026-02-02. Review status: criteria provided, single submitter. Criteria: Invitae Variant Classification Sherloc (09022015). Collection method: clinical testing. Allele origin: germline.

Women's Health and Genetics/Laboratory Corporation of America, LabCorp
Classification: Likely benign. Last evaluated: 2026-01-22. Review status: criteria provided, single submitter. Criteria: LabCorp Variant Classification Summary - May 2015. Collection method: clinical testing. Allele origin: germline.

Mayo Clinic Laboratories, Mayo Clinic
Classification: Benign. Last evaluated: 2023-06-08. Review status: criteria provided, single submitter. Criteria: ACMG Guidelines, 2015. Collection method: clinical testing. Allele origin: germline. Observed: 23 variant alleles.
Comment: BA1, BP4, BP7

GeneDx
Classification: Benign. Last evaluated: 2019-08-15. Review status: criteria provided, single submitter. Criteria: GeneDx Variant Classification Process June 2021. Collection method: clinical testing. Allele origin: germline. Affected: yes.

PreventionGenetics, part of Exact Sciences
Classification: Benign. Review status: criteria provided, single submitter. Criteria: ACMG Guidelines, 2015. Collection method: clinical testing. Allele origin: germline.